The following is an entry in ClinVar:

ClinVar aggregate classification (germline): Likely pathogenic (1 of 4 stars; one submission).

Conditions:
Mitochondrial trifunctional protein deficiency. Identifiers: Orphanet 746, MedGen C1969443, MONDO:0012172.

Submission:

Labcorp Genetics (formerly Invitae), Labcorp
Classification: Likely pathogenic for Mitochondrial trifunctional protein deficiency. Last evaluated: 2023-02-15. Review status: criteria provided, single submitter. Criteria: Invitae Variant Classification Sherloc (09022015). Collection method: clinical testing. Allele origin: germline.
Comment: This sequence change affects an acceptor splice site in intron 13 of the HADHB gene. It is expected to disrupt RNA splicing. Variants that disrupt the donor or acceptor splice site typically lead to a loss of protein function (PMID: 16199547), and loss-of-function variants in HADHB are known to be pathogenic (PMID: 9259266, 12754706). This variant is not present in population databases (gnomAD no frequency). Disruption of this splice site has been observed in individual(s) with clinical features of mitochondrial trifunctional protein deficiency (PMID: 28871440). Algorithms developed to predict the effect of sequence changes on RNA splicing suggest that this variant may disrupt the consensus splice site. In summary, the currently available evidence indicates that the variant is pathogenic, but additional data are needed to prove that conclusively. Therefore, this variant has been classified as Likely Pathogenic.

Literature cited by the submitters: PubMed 16199547; PubMed 9259266; PubMed 12754706; PubMed 28871440.

NM_000183.3(HADHB):c.1150-1G>C

Gene: HADHB (hydroxyacyl-CoA dehydrogenase trifunctional multienzyme complex subunit beta; plus strand). Cytogenetic location: 2p23.3.
Variant type: single nucleotide variant.
Coding change: c.1150-1G>C on transcript NM_000183.3 (MANE Select); the canonical splice acceptor site of the intron before coding-DNA position 1150, G replaced by C.
Molecular consequence: splice acceptor variant.
Genome position (GRCh38, 1-based): chr2:26,284,882, G>C. VCF-style: chr2-26284882-G-C. GRCh37 (hg19) VCF-style: chr2-26507750-G-C.
Other names: c.1084-1G>C (NM_001281513.2); c.1105-1G>C (NM_001281512.2).
Identifiers: ClinVar variation 2876369 (VCV002876369.3), dbSNP rs1672959153, ClinGen allele CA346096016.